The following is an entry in ClinVar:

ClinVar aggregate classification (germline): Uncertain significance (1 of 4 stars; one submission).

Allele frequency attached by ClinVar (database versions not stated): gnomAD 0.00001; gnomAD exomes 0.00001; TOPMed 0.00001.

Submission:

Labcorp Genetics (formerly Invitae), Labcorp
Classification: Uncertain significance. Last evaluated: 2022-01-27. Review status: criteria provided, single submitter. Criteria: Invitae Variant Classification Sherloc (09022015). Collection method: clinical testing. Allele origin: germline.
Comment: This variant is not present in population databases (gnomAD no frequency). This sequence change replaces glycine, which is neutral and non-polar, with serine, which is neutral and polar, at codon 472 of the PCK1 protein (p.Gly472Ser). This variant also falls at the last nucleotide of exon 9, which is part of the consensus splice site for this exon. This variant has not been reported in the literature in individuals affected with PCK1-related conditions. In summary, the available evidence is currently insufficient to determine the role of this variant in disease. Therefore, it has been classified as a Variant of Uncertain Significance. Variants that disrupt the consensus splice site are a relatively common cause of aberrant splicing (PMID: 17576681, 9536098). Algorithms developed to predict the effect of sequence changes on RNA splicing suggest that this variant may disrupt the consensus splice site. Algorithms developed to predict the effect of missense changes on protein structure and function are either unavailable or do not agree on the potential impact of this missense change (SIFT: "Deleterious"; PolyPhen-2: "Possibly Damaging"; Align-GVGD: "Class C0").

Literature cited by the submitters: PubMed 17576681; PubMed 9536098.

NM_002591.4(PCK1):c.1414G>A (p.Gly472Ser)

Gene: PCK1 (phosphoenolpyruvate carboxykinase 1; plus strand). Cytogenetic location: 20q13.31.
Variant type: single nucleotide variant.
Coding change: c.1414G>A on transcript NM_002591.4 (MANE Select); coding-DNA position 1414, G replaced by A.
Protein change: p.Gly472Ser; replaces glycine 472 with serine.
Molecular consequence: missense variant.
Genome position (GRCh38, 1-based): chr20:57,565,135, G>A. VCF-style: chr20-57565135-G-A. GRCh37 (hg19) VCF-style: chr20-56140191-G-A.
Other names: short protein forms G472S.
Identifiers: ClinVar variation 1911886 (VCV001911886.5), dbSNP rs1001912906, ClinGen allele CA316281756.